The following is an entry in ClinVar:

NM_002473.6(MYH9):c.3272+76C>T

Gene: MYH9 (myosin heavy chain 9; minus strand). Cytogenetic location: 22q12.3.
Variant type: single nucleotide variant.
Coding change: c.3272+76C>T on transcript NM_002473.6 (MANE Select); 76 bases into the intron after coding-DNA position 3272, C replaced by T.
Molecular consequence: intron variant.
Genome position (GRCh38, 1-based): chr22:36,296,767, G>A on the plus strand (C>T on the coding strand, the complement: MYH9 is on the minus strand). VCF-style: chr22-36296767-G-A. GRCh37 (hg19) VCF-style: chr22-36692813-G-A.
Identifiers: ClinVar variation 682632 (VCV000682632.2), dbSNP rs9622372, ClinGen allele CA323594596.
Genomic context (GRCh38, chr22:36,296,767, plus strand): 5'-ATGAAATAAATGGCTCTTTTAAGACAACAGTGGAAAGAATGCTCACAGCTCACTAGTGCC[G>A]AGAACTAGGGCCAGCAGCAAGCAGGAAGGGCTGGCCCAGGCCACCTGGCCTCAGGCGGGC-3'

ClinVar aggregate classification (germline): Likely benign. Review status: criteria provided, multiple submitters, no conflicts (2 of 4 stars). 2 submissions from 2 submitters: Likely benign (2). Last evaluated 2018-06-13.

Allele frequency attached by ClinVar (database versions not stated): 1000 Genomes Project 30x 0.02139; 1000 Genomes Project 0.02157; gnomAD 0.02158 and 0.02239; TOPMed 0.02249.
gnomAD v4.1: 21,087 of 1,470,768 alleles (1.4%); highest among the groups gnomAD compares: Middle Eastern, 6.5%; 258 homozygotes.

Submissions (2):

GeneDx
Classification: Likely benign. Last evaluated: 2018-06-13. Review status: criteria provided, single submitter. Criteria: GeneDx Variant Classification (06012015). Collection method: clinical testing. Allele origin: germline. Affected: yes.
Comment: This variant is considered likely benign or benign based on one or more of the following criteria: it is a conservative change, it occurs at a poorly conserved position in the protein, it is predicted to be benign by multiple in silico algorithms, and/or has population frequency not consistent with disease.

Breakthrough Genomics
Classification: Likely benign. Review status: criteria provided, single submitter. Criteria: ACMG Guidelines, 2015. Collection method: not provided. Allele origin: germline. Inheritance: Autosomal dominant inheritance. Affected: yes.